The following is an entry in ClinVar:

NM_000996.4(RPL35A):c.11+6C>A

Genes: DRC9 (dynein regulatory complex subunit 9; minus strand), RPL35A (ribosomal protein L35a; plus strand). Cytogenetic location: 3q29.
Variant type: single nucleotide variant.
Coding change: c.11+6C>A on transcript NM_000996.4 (MANE Select); 6 bases into the intron after coding-DNA position 11, C replaced by A.
Molecular consequence: intron variant.
Genome position (GRCh38, 1-based): chr3:197,950,984, C>A. VCF-style: chr3-197950984-C-A. GRCh37 (hg19) VCF-style: chr3-197677855-C-A.
Other names: c.-49-6933G>T (NM_001323028.2); c.-59-5298G>T (NM_032263.5); c.-374-5298G>T (NM_001323029.2); c.11+6C>A (NM_001316311.2).
Identifiers: ClinVar variation 3013668 (VCV003013668.3), dbSNP rs1560119856, ClinGen allele CA2669371848.

ClinVar aggregate classification (germline): Uncertain significance (1 of 4 stars; one submission).

Conditions:
Diamond-Blackfan anemia 5 (DBA5). Also called: RPL35A-Related Diamond-Blackfan Anemia. Identifiers: Orphanet 124, MedGen C2675859, MONDO:0012925, OMIM 612528.

gnomAD v4.1: 1 of 1,613,300 alleles (0.000062%); highest among the groups gnomAD compares: East Asian, 0.0022%; no homozygotes.

Submission:

Labcorp Genetics (formerly Invitae), Labcorp
Classification: Uncertain significance for Diamond-Blackfan anemia 5. Last evaluated: 2022-11-15. Review status: criteria provided, single submitter. Criteria: Invitae Variant Classification Sherloc (09022015). Collection method: clinical testing. Allele origin: germline.
Comment: This sequence change falls in intron 2 of the RPL35A gene. It does not directly change the encoded amino acid sequence of the RPL35A protein. It affects a nucleotide within the consensus splice site. This variant is not present in population databases (gnomAD no frequency). This variant has not been reported in the literature in individuals affected with RPL35A-related conditions. Variants that disrupt the consensus splice site are a relatively common cause of aberrant splicing (PMID: 17576681, 9536098). Algorithms developed to predict the effect of sequence changes on RNA splicing suggest that this variant is not likely to affect RNA splicing. In summary, the available evidence is currently insufficient to determine the role of this variant in disease. Therefore, it has been classified as a Variant of Uncertain Significance.

Literature cited by the submitters: PubMed 17576681; PubMed 9536098.